The following is an entry in ClinVar:

NM_198999.3(SLC26A5):c.1120-2A>G

Gene: SLC26A5 (solute carrier family 26 member 5; minus strand). Cytogenetic location: 7q22.1.
Variant type: single nucleotide variant.
Coding change: c.1120-2A>G on transcript NM_198999.3 (MANE Select); the canonical splice acceptor site of the intron before coding-DNA position 1120, A replaced by G.
Molecular consequence: splice acceptor variant. On other transcripts: intron variant (1).
Genome position (GRCh38, 1-based): chr7:103,391,737, T>C on the plus strand (A>G on the coding strand, the complement: SLC26A5 is on the minus strand). VCF-style: chr7-103391737-T-C. GRCh37 (hg19) VCF-style: chr7-103032184-T-C.
Other names: c.971+6195A>G (NM_206885.3); c.1120-2A>G (NM_001321787.2, NM_206884.3, NM_206883.3 and 1 more transcripts).
Identifiers: ClinVar variation 1465936 (VCV001465936.8), dbSNP rs1427114724, ClinGen allele CA368759694.
Genomic context (GRCh38, chr7:103,391,737, plus strand): 5'-ATTGAAAAGGTCTGGAAGAGTGAGCCAATGGAATTGCACAGTCCCAGGGCAATGAGCTCC[T>C]TTCCCATGTAGAAACAAAACACAAAAGAGATAGGTCATTCTTCAGGAAAAAAAAGCATAA-3'

ClinVar aggregate classification (germline): Likely pathogenic (1 of 4 stars; one submission).

Allele frequency attached by ClinVar (database versions not stated): gnomAD exomes below 0.00001; TOPMed 0.00001.
gnomAD v4.1: 2 of 1,612,586 alleles (0.00012%); highest among the groups gnomAD compares: Non-Finnish European, 0.00017%; no homozygotes.

Submission:

Labcorp Genetics (formerly Invitae), Labcorp
Classification: Likely pathogenic. Last evaluated: 2021-04-06. Review status: criteria provided, single submitter. Criteria: Invitae Variant Classification Sherloc (09022015). Collection method: clinical testing. Allele origin: germline.
Comment: This variant has not been reported in the literature in individuals with SLC26A5-related conditions. This sequence change affects an acceptor splice site in intron 10 of the SLC26A5 gene. It is expected to disrupt RNA splicing. Variants that disrupt the donor or acceptor splice site typically lead to a loss of protein function (PMID: 16199547), and loss-of-function variants in SLC26A5 are known to be pathogenic (PMID: 12239568, 24164807). This variant is not present in population databases (ExAC no frequency). Algorithms developed to predict the effect of sequence changes on RNA splicing suggest that this variant may disrupt the consensus splice site, but this prediction has not been confirmed by published transcriptional studies. In summary, the currently available evidence indicates that the variant is pathogenic, but additional data are needed to prove that conclusively. Therefore, this variant has been classified as Likely Pathogenic.

Literature cited by the submitters: PubMed 16199547; PubMed 12239568; PubMed 24164807.